The following is an entry in ClinVar:

ClinVar aggregate classification (germline): Likely benign. Review status: criteria provided, multiple submitters, no conflicts (2 of 4 stars). 3 submissions from 3 submitters: Likely benign (3). Last evaluated 2025-10-14.

Conditions:
PDE6A-related disorder. Also called: PDE6A-related condition.

Allele frequency attached by ClinVar (database versions not stated): TOPMed below 0.00001.
gnomAD v4.1: 15 of 1,614,092 alleles (0.00093%); highest among the groups gnomAD compares: South Asian, 0.0044%; no homozygotes.

Submissions (3):

PreventionGenetics, part of Exact Sciences
Classification: Likely benign for PDE6A-related condition. Last evaluated: 2025-10-14. Review status: criteria provided, single submitter. Criteria: ACMG Guidelines, 2015. Collection method: clinical testing. Allele origin: germline.
Comment: This variant is classified as likely benign based on ACMG/AMP sequence variant interpretation guidelines (Richards et al. 2015 PMID: 25741868, with internal and published modifications).

Labcorp Genetics (formerly Invitae), Labcorp
Classification: Likely benign. Last evaluated: 2024-06-29. Review status: criteria provided, single submitter. Criteria: Invitae Variant Classification Sherloc (09022015). Collection method: clinical testing. Allele origin: germline.

CeGaT Center for Human Genetics Tuebingen
Classification: Likely benign. Last evaluated: 2022-06-01. Review status: criteria provided, single submitter. Criteria: CeGaT Center For Human Genetics Tuebingen Variant Classification Criteria Version 2. Collection method: clinical testing. Allele origin: germline. Affected: yes. Observed: 1 variant allele.
Comment: PDE6A: BP4, BP7

NM_000440.3(PDE6A):c.2151C>T (p.Thr717=)

Gene: PDE6A (phosphodiesterase 6A; minus strand). Cytogenetic location: 5q32.
Variant type: single nucleotide variant.
Coding change: c.2151C>T on transcript NM_000440.3 (MANE Select); coding-DNA position 2151, C replaced by T.
Protein change: p.Thr717=; no amino-acid change (threonine 717 retained).
Molecular consequence: synonymous variant.
Genome position (GRCh38, 1-based): chr5:149,868,143, G>A on the plus strand (C>T on the coding strand, the complement: PDE6A is on the minus strand). VCF-style: chr5-149868143-G-A. GRCh37 (hg19) VCF-style: chr5-149247706-G-A.
Other names: c.2151C>T (NM_000440.2).
Identifiers: ClinVar variation 1160591 (VCV001160591.35), dbSNP rs756926282, ClinGen allele CA3504387.